The following is an entry in ClinVar:

ClinVar aggregate classification (germline): Likely pathogenic. Review status: criteria provided, multiple submitters, no conflicts (2 of 4 stars). 2 submissions from 2 submitters: Likely pathogenic (2). Last evaluated 2025-08-05.

Conditions:
Short-rib thoracic dysplasia 18 with polydactyly. Identifiers: MedGen C4693420, MONDO:0036483, OMIM 617866.
Retinitis pigmentosa 81 (RP81). Identifiers: MedGen C4693443, MONDO:0036482, OMIM 617871.
Cranioectodermal dysplasia 3 (CED3). Identifiers: Orphanet 1515, MedGen C3279807, MONDO:0013573, OMIM 614099.

Allele frequency attached by ClinVar (database versions not stated): TOPMed 0.00001; ExAC 0.00002.
gnomAD v4.1: 19 of 1,613,840 alleles (0.0012%); highest among the groups gnomAD compares: Middle Eastern, 0.016%; no homozygotes.

Submissions (2):

First Genomix Gene Laboratory, Genetic Diagnostics Department
Classification: Likely pathogenic for Cranioectodermal dysplasia 3; Retinitis pigmentosa 81; Short-rib thoracic dysplasia 18 with polydactyly. Last evaluated: 2025-08-05. Review status: criteria provided, single submitter. Criteria: ACMG Guidelines, 2015. Collection method: clinical testing. Allele origin: germline. Inheritance: Autosomal recessive inheritance. Affected: no. Observed: 1 variant allele.

Clinical Genetics and Genomics, Karolinska University Hospital
Classification: Likely pathogenic. Last evaluated: 2014-11-21. Review status: criteria provided, single submitter. Criteria: ACMG Guidelines, 2015. Collection method: clinical testing. Allele origin: germline. Affected: yes. Observed: 1 variant allele.

NM_001102564.3(IFT43):c.296-5698C>T

Gene: IFT43 (intraflagellar transport 43; plus strand). Cytogenetic location: 14q24.3.
Variant type: single nucleotide variant.
Coding change: c.296-5698C>T on transcript NM_001102564.3 (MANE Select); 5698 bases into the intron before coding-DNA position 296, C replaced by T.
Molecular consequence: intron variant. On other transcripts: synonymous variant (1).
Genome position (GRCh38, 1-based): chr14:76,076,597, C>T. VCF-style: chr14-76076597-C-T. GRCh37 (hg19) VCF-style: chr14-76542940-C-T.
Other names: c.216C>T, p.Asn72= (NM_052873.3).
Identifiers: ClinVar variation 988461 (VCV000988461.2), dbSNP rs751122392, ClinGen allele CA7280785.